The following is an entry in ClinVar:

NM_024675.4(PALB2):c.488T>C (p.Val163Ala)

Gene: PALB2 (partner and localizer of BRCA2; minus strand). Cytogenetic location: 16p12.2.
Variant type: single nucleotide variant.
Coding change: c.488T>C on transcript NM_024675.4 (MANE Select); coding-DNA position 488, T replaced by C.
Protein change: p.Val163Ala; replaces valine 163 with alanine.
Molecular consequence: missense variant. On other transcripts: 5 prime UTR variant (8), intron variant (3).
Genome position (GRCh38, 1-based): chr16:23,636,058, A>G on the plus strand (T>C on the coding strand, the complement: PALB2 is on the minus strand). VCF-style: chr16-23636058-A-G. GRCh37 (hg19) VCF-style: chr16-23647379-A-G.
Other names: c.428T>C, p.Val143Ala (NM_001407296.1); c.488T>C, p.Val163Ala (NM_001407297.1, NM_001407298.1, NM_001407299.1 and 3 more transcripts); c.-398T>C (NM_001407304.1, NM_001407305.1, NM_001407306.1 and 5 more transcripts); c.48+5052T>C (NM_001407314.1); c.-105+5052T>C (NM_001407313.1, NM_001407312.1); short protein forms V143A, V163A.
Identifiers: ClinVar variation 4761271 (VCV004761271.3).

ClinVar aggregate classification (germline): Uncertain significance. Review status: criteria provided, multiple submitters, no conflicts (2 of 4 stars). 2 submissions from 2 submitters: Uncertain significance (2). Last evaluated 2026-09-11.

Conditions:
Familial cancer of breast. Also called: BREAST CANCER, FAMILIAL; Hereditary breast cancer; hereditary breast carcinoma. Identifiers: Orphanet 227535, MedGen C0346153, MONDO:0016419, OMIM 114480. Disease mechanism: loss of function.
Hereditary cancer-predisposing syndrome. Also called: Hereditary Cancer Syndrome; Hereditary neoplastic syndrome; Neoplastic Syndromes, Hereditary; Tumor predisposition. Identifiers: Orphanet 140162, MedGen C0027672, MeSH D009386, MONDO:0015356.

Submissions (2):

Ambry Genetics
Classification: Uncertain significance for Hereditary cancer-predisposing syndrome. Last evaluated: 2026-09-11. Review status: criteria provided, single submitter. Criteria: Ambry Variant Classification Scheme 2023. Collection method: clinical testing. Allele origin: germline.
Comment: The p.V163A variant (also known as c.488T>C), located in coding exon 4 of the PALB2 gene, results from a T to C substitution at nucleotide position 488. The valine at codon 163 is replaced by alanine, an amino acid with similar properties. This amino acid position is conserved. In addition, this alteration is predicted to be tolerated by in silico analysis. Based on the available evidence, the clinical significance of this variant remains unclear.

Labcorp Genetics (formerly Invitae), Labcorp
Classification: Uncertain significance for Familial cancer of breast. Last evaluated: 2025-05-06. Review status: criteria provided, single submitter. Criteria: Invitae Variant Classification Sherloc (09022015). Collection method: clinical testing. Allele origin: germline.
Comment: This sequence change replaces valine, which is neutral and non-polar, with alanine, which is neutral and non-polar, at codon 163 of the PALB2 protein (p.Val163Ala). This variant is not present in population databases (gnomAD no frequency). This variant has not been reported in the literature in individuals affected with PALB2-related conditions. An algorithm developed to predict the effect of missense changes on protein structure and function (PolyPhen-2) suggests that this variant is likely to be tolerated. In summary, the available evidence is currently insufficient to determine the role of this variant in disease. Therefore, it has been classified as a Variant of Uncertain Significance.